The following is an entry in ClinVar:

ClinVar aggregate classification (germline): Likely benign (1 of 4 stars; one submission).

Allele frequency attached by ClinVar (database versions not stated): 1000 Genomes Project 0.00439; 1000 Genomes Project 30x 0.00468; ExAC 0.00619; ESP Exome Variant Server 0.00669.
gnomAD v4.1: 12,660 of 1,612,350 alleles (0.79%); highest among the groups gnomAD compares: Non-Finnish European, 0.88%; 71 homozygotes.

Submissions 1 to 33 of 44:

CeGaT Center for Human Genetics Tuebingen
Classification: Likely benign. Last evaluated: 2023-02-01. Review status: criteria provided, single submitter. Criteria: CeGaT Center For Human Genetics Tuebingen Variant Classification Criteria Version 2. Collection method: clinical testing. Allele origin: germline. Affected: yes. Observed: 2 variant alleles.
Comment: ZBTB48: BP4, BS2

Dr. Peter K. Rogan Lab, Western University
No classification provided (evidence only). Condition: Lung cancer. Review status: no classification provided. Collection method: in vitro. Allele origin: not applicable. Functional consequence: retained intron. Not counted in ClinVar's aggregate classification.

Dr. Peter K. Rogan Lab, Western University
No classification provided (evidence only). Condition: Lung cancer. Review status: no classification provided. Collection method: in vitro. Allele origin: not applicable. Functional consequence: retained intron. Not counted in ClinVar's aggregate classification.

Dr. Peter K. Rogan Lab, Western University
No classification provided (evidence only). Condition: Lung cancer. Review status: no classification provided. Collection method: in vitro. Allele origin: not applicable. Functional consequence: retained intron. Not counted in ClinVar's aggregate classification.

Dr. Peter K. Rogan Lab, Western University
No classification provided (evidence only). Condition: Lung cancer. Review status: no classification provided. Collection method: in vitro. Allele origin: not applicable. Functional consequence: skipped exon, retained intron. Not counted in ClinVar's aggregate classification.

Dr. Peter K. Rogan Lab, Western University
No classification provided (evidence only). Condition: Lung cancer. Review status: no classification provided. Collection method: in vitro. Allele origin: not applicable. Functional consequence: skipped exon, retained intron. Not counted in ClinVar's aggregate classification.

Dr. Peter K. Rogan Lab, Western University
No classification provided (evidence only). Condition: Acute myeloid leukemia. Review status: no classification provided. Collection method: in vitro. Allele origin: not applicable. Functional consequence: retained intron. Not counted in ClinVar's aggregate classification.

Dr. Peter K. Rogan Lab, Western University
No classification provided (evidence only). Condition: Colon adenocarcinoma. Review status: no classification provided. Collection method: in vitro. Allele origin: not applicable. Functional consequence: retained intron. Not counted in ClinVar's aggregate classification.

Dr. Peter K. Rogan Lab, Western University
No classification provided (evidence only). Condition: Colon adenocarcinoma. Review status: no classification provided. Collection method: in vitro. Allele origin: not applicable. Functional consequence: retained intron. Not counted in ClinVar's aggregate classification.

Dr. Peter K. Rogan Lab, Western University
No classification provided (evidence only). Condition: Colorectal cancer. Review status: no classification provided. Collection method: in vitro. Allele origin: not applicable. Functional consequence: retained intron. Not counted in ClinVar's aggregate classification.

Dr. Peter K. Rogan Lab, Western University
No classification provided (evidence only). Condition: Colorectal cancer. Review status: no classification provided. Collection method: in vitro. Allele origin: not applicable. Functional consequence: skipped exon, retained intron. Not counted in ClinVar's aggregate classification.

Dr. Peter K. Rogan Lab, Western University
No classification provided (evidence only). Condition: Uterine corpus endometrial carcinoma. Review status: no classification provided. Collection method: in vitro. Allele origin: not applicable. Functional consequence: retained intron. Not counted in ClinVar's aggregate classification.

Dr. Peter K. Rogan Lab, Western University
No classification provided (evidence only). Condition: Cervical cancer. Review status: no classification provided. Collection method: in vitro. Allele origin: not applicable. Functional consequence: skipped exon, retained intron. Not counted in ClinVar's aggregate classification.

Dr. Peter K. Rogan Lab, Western University
No classification provided (evidence only). Condition: Cervical cancer. Review status: no classification provided. Collection method: in vitro. Allele origin: not applicable. Functional consequence: skipped exon, retained intron. Not counted in ClinVar's aggregate classification.

Dr. Peter K. Rogan Lab, Western University
No classification provided (evidence only). Condition: Cervical cancer. Review status: no classification provided. Collection method: in vitro. Allele origin: not applicable. Functional consequence: retained intron. Not counted in ClinVar's aggregate classification.

Dr. Peter K. Rogan Lab, Western University
No classification provided (evidence only). Condition: Cervical cancer. Review status: no classification provided. Collection method: in vitro. Allele origin: not applicable. Functional consequence: retained intron. Not counted in ClinVar's aggregate classification.

Dr. Peter K. Rogan Lab, Western University
No classification provided (evidence only). Condition: Cervical cancer. Review status: no classification provided. Collection method: in vitro. Allele origin: not applicable. Functional consequence: retained intron. Not counted in ClinVar's aggregate classification.

Dr. Peter K. Rogan Lab, Western University
No classification provided (evidence only). Condition: Cervical cancer. Review status: no classification provided. Collection method: in vitro. Allele origin: not applicable. Functional consequence: skipped exon, retained intron. Not counted in ClinVar's aggregate classification.

Dr. Peter K. Rogan Lab, Western University
No classification provided (evidence only). Condition: Cervical cancer. Review status: no classification provided. Collection method: in vitro. Allele origin: not applicable. Functional consequence: retained intron. Not counted in ClinVar's aggregate classification.

Dr. Peter K. Rogan Lab, Western University
No classification provided (evidence only). Condition: Sarcoma. Review status: no classification provided. Collection method: in vitro. Allele origin: not applicable. Functional consequence: retained intron. Not counted in ClinVar's aggregate classification.

Dr. Peter K. Rogan Lab, Western University
No classification provided (evidence only). Condition: Sarcoma. Review status: no classification provided. Collection method: in vitro. Allele origin: not applicable. Functional consequence: retained intron. Not counted in ClinVar's aggregate classification.

Dr. Peter K. Rogan Lab, Western University
No classification provided (evidence only). Condition: Sarcoma. Review status: no classification provided. Collection method: in vitro. Allele origin: not applicable. Functional consequence: skipped exon, retained intron. Not counted in ClinVar's aggregate classification.

Dr. Peter K. Rogan Lab, Western University
No classification provided (evidence only). Condition: Thymoma. Review status: no classification provided. Collection method: in vitro. Allele origin: not applicable. Functional consequence: skipped exon, retained intron. Not counted in ClinVar's aggregate classification.

Dr. Peter K. Rogan Lab, Western University
No classification provided (evidence only). Condition: Thymoma. Review status: no classification provided. Collection method: in vitro. Allele origin: not applicable. Functional consequence: retained intron. Not counted in ClinVar's aggregate classification.

Dr. Peter K. Rogan Lab, Western University
No classification provided (evidence only). Condition: Thymoma. Review status: no classification provided. Collection method: in vitro. Allele origin: not applicable. Functional consequence: skipped exon, retained intron. Not counted in ClinVar's aggregate classification.

Dr. Peter K. Rogan Lab, Western University
No classification provided (evidence only). Condition: Cholangiocarcinoma. Review status: no classification provided. Collection method: in vitro. Allele origin: not applicable. Functional consequence: skipped exon, retained intron. Not counted in ClinVar's aggregate classification.

Dr. Peter K. Rogan Lab, Western University
No classification provided (evidence only). Condition: Cholangiocarcinoma. Review status: no classification provided. Collection method: in vitro. Allele origin: not applicable. Functional consequence: skipped exon, retained intron. Not counted in ClinVar's aggregate classification.

Dr. Peter K. Rogan Lab, Western University
No classification provided (evidence only). Condition: Ovarian serous cystadenocarcinoma. Review status: no classification provided. Collection method: in vitro. Allele origin: not applicable. Functional consequence: retained intron. Not counted in ClinVar's aggregate classification.

Dr. Peter K. Rogan Lab, Western University
No classification provided (evidence only). Condition: Ovarian serous cystadenocarcinoma. Review status: no classification provided. Collection method: in vitro. Allele origin: not applicable. Functional consequence: retained intron. Not counted in ClinVar's aggregate classification.

Dr. Peter K. Rogan Lab, Western University
No classification provided (evidence only). Condition: Ovarian serous cystadenocarcinoma. Review status: no classification provided. Collection method: in vitro. Allele origin: not applicable. Functional consequence: retained intron. Not counted in ClinVar's aggregate classification.

Dr. Peter K. Rogan Lab, Western University
No classification provided (evidence only). Condition: Ovarian serous cystadenocarcinoma. Review status: no classification provided. Collection method: in vitro. Allele origin: not applicable. Functional consequence: retained intron. Not counted in ClinVar's aggregate classification.

Dr. Peter K. Rogan Lab, Western University
No classification provided (evidence only). Condition: Ovarian serous cystadenocarcinoma. Review status: no classification provided. Collection method: in vitro. Allele origin: not applicable. Functional consequence: retained intron. Not counted in ClinVar's aggregate classification.

Dr. Peter K. Rogan Lab, Western University
No classification provided (evidence only). Condition: Gastric cancer. Review status: no classification provided. Collection method: in vitro. Allele origin: not applicable. Functional consequence: retained intron. Not counted in ClinVar's aggregate classification.

NM_005341.4(ZBTB48):c.1379+5G>A

Gene: ZBTB48 (zinc finger and BTB domain containing 48; plus strand). Cytogenetic location: 1p36.31.
Variant type: single nucleotide variant.
Coding change: c.1379+5G>A on transcript NM_005341.4 (MANE Select); 5 bases into the intron after coding-DNA position 1379, G replaced by A.
Molecular consequence: intron variant.
Genome position (GRCh38, 1-based): chr1:6,587,637, G>A. VCF-style: chr1-6587637-G-A. GRCh37 (hg19) VCF-style: chr1-6647697-G-A.
Other names: NC_000001.10:g.6647697G>A; c.1379+5G>A (NM_001278648.2, NM_001278647.2).
Identifiers: ClinVar variation 2638127 (VCV002638127.25), dbSNP rs77541275, ClinGen allele CA563849.